The following is an entry in ClinVar:

NM_001370259.2(MEN1):c.1739del (p.Thr580fs)

Gene: MEN1 (menin 1; minus strand). Cytogenetic location: 11q13.1.
Variant type: Deletion.
Coding change: c.1739del on transcript NM_001370259.2 (MANE Select); coding-DNA position 1739, one base deleted (C; older notation c.1739delC).
Protein change: p.Thr580fs; shifts the reading frame from threonine 580.
Molecular consequence: frameshift variant.
Genome position (GRCh38, 1-based): chr11:64,804,428, G deleted on the plus strand (C on the coding strand, the reverse complement: MEN1 is on the minus strand). VCF-style (leftmost placement, unchanged base first): chr11-64804427-CG-C. GRCh37 (hg19) VCF-style: chr11-64571899-CG-C.
Other names: c.1739delC (NM_130799.2); c.1754del, p.Thr585fs (NM_130800.3, NM_130801.3, NM_130802.3 and 3 more transcripts); c.1865del, p.Thr622fs (NM_001370251.2); c.1739del, p.Thr580fs (NM_001370260.2, NM_001370261.2, NM_130799.3); c.1634del, p.Thr545fs (NM_001370262.2, NM_001370263.2); short protein forms T545fs, T622fs, T585fs, T580fs.
Identifiers: ClinVar variation 220647 (VCV000220647.8), dbSNP rs864622617, ClinGen allele CA348208.

ClinVar aggregate classification (germline): Likely pathogenic (1 of 4 stars; one submission).

Conditions:
Multiple endocrine neoplasia, type 1 (MEN1). Also called: MEN I; WERMER SYNDROME; Endocrine adenomatosis multiple; MEN 1; MEA I. Identifiers: Orphanet 652, MedGen C0025267, MeSH D018761, MONDO:0007540, OMIM 131100.

Submission:

Labcorp Genetics (formerly Invitae), Labcorp
Classification: Likely pathogenic for Multiple endocrine neoplasia, type 1. Last evaluated: 2015-10-20. Review status: criteria provided, single submitter. Criteria: Invitae Variant Classification Sherloc (09022015). Collection method: clinical testing. Allele origin: germline.
Comment: This sequence change deletes 1 nucleotide from exon 10 of the MEN1 mRNA (c.1739delC), causing a frameshift at codon 580. This creates a premature translational stop signal in the last exon of the MEN1 mRNA (p.Thr580Argfs*8). While this is not anticipated to result in nonsense mediated decay, it is expected to result in a truncated MEN1 protein. This variant is not present in population databases (ExAC no frequency) and has not been reported in the literature. In summary, this is a novel frameshift variant that truncates an important functional domain in MEN1. For these reasons, it has been classified as a Likely Pathogenic. This frameshift change truncates the functionally conserved NLS2 domain of the MEN1 protein. Experimental studies have shown that disruption of this region abrogates the ability of MEN1 to bind DNA, regulate target gene expression, and inhibit cell proliferation (PMID: 15331604, 16449969).

Literature cited by the submitters: PubMed 15331604; PubMed 16449969.